The following is an entry in ClinVar:

ClinVar aggregate classification (germline): Uncertain significance. Review status: criteria provided, multiple submitters, no conflicts (2 of 4 stars). 2 submissions from 2 submitters: Uncertain significance (2). Last evaluated 2021-11-28.

Conditions:
Inborn genetic diseases. Identifiers: MedGen C0950123, MeSH D030342.
2-aminoadipic 2-oxoadipic aciduria (AAKAD). Also called: ALPHA-AMINOADIPIC AND ALPHA-KETOADIPIC ACIDURIA; Aminoadipic aciduria. Identifiers: Orphanet 79154, MedGen C1859817, MONDO:0008774, OMIM 204750.

Allele frequency attached by ClinVar (database versions not stated): gnomAD 0.00001; TOPMed 0.00001.
gnomAD v4.1: 4 of 1,613,954 alleles (0.00025%); highest among the groups gnomAD compares: African/African-American, 0.0027%; no homozygotes.

Submissions (2):

Labcorp Genetics (formerly Invitae), Labcorp
Classification: Uncertain significance for 2-aminoadipic 2-oxoadipic aciduria. Last evaluated: 2021-11-28. Review status: criteria provided, single submitter. Criteria: Invitae Variant Classification Sherloc (09022015). Collection method: clinical testing. Allele origin: germline.
Comment: This sequence change replaces glycine, which is neutral and non-polar, with alanine, which is neutral and non-polar, at codon 322 of the DHTKD1 protein (p.Gly322Ala). This variant is present in population databases (rs200814440, gnomAD 0.007%). This variant has not been reported in the literature in individuals affected with DHTKD1-related conditions. Algorithms developed to predict the effect of missense changes on protein structure and function are either unavailable or do not agree on the potential impact of this missense change (SIFT: "Tolerated"; PolyPhen-2: "Possibly Damaging"; Align-GVGD: "Class C0"). In summary, the available evidence is currently insufficient to determine the role of this variant in disease. Therefore, it has been classified as a Variant of Uncertain Significance.

Ambry Genetics
Classification: Uncertain significance for Inborn genetic diseases. Last evaluated: 2020-12-19. Review status: criteria provided, single submitter. Criteria: Ambry Variant Classification Scheme 2023. Collection method: clinical testing. Allele origin: germline.

NM_018706.7(DHTKD1):c.965G>C (p.Gly322Ala)

Gene: DHTKD1 (dehydrogenase E1 and transketolase domain containing 1; plus strand). Cytogenetic location: 10p14.
Variant type: single nucleotide variant.
Coding change: c.965G>C on transcript NM_018706.7 (MANE Select); coding-DNA position 965, G replaced by C.
Protein change: p.Gly322Ala; replaces glycine 322 with alanine.
Molecular consequence: missense variant.
Genome position (GRCh38, 1-based): chr10:12,089,233, G>C. VCF-style: chr10-12089233-G-C. GRCh37 (hg19) VCF-style: chr10-12131232-G-C.
Other names: c.965G>C (NM_018706.5); short protein forms G322A.
Identifiers: ClinVar variation 1437528 (VCV001437528.7), dbSNP rs200814440, ClinGen allele CA202582241.